The following is an entry in ClinVar:

ClinVar aggregate classification (germline): Uncertain significance (1 of 4 stars; one submission).

Submission:

Labcorp Genetics (formerly Invitae), Labcorp
Classification: Uncertain significance. Last evaluated: 2025-10-26. Review status: criteria provided, single submitter. Criteria: Invitae Variant Classification Sherloc (09022015). Collection method: clinical testing. Allele origin: germline.
Comment: This sequence change replaces lysine, which is basic and polar, with glutamine, which is neutral and polar, at codon 537 of the ABCA3 protein (p.Lys537Gln). This variant is not present in population databases (gnomAD no frequency). This variant has not been reported in the literature in individuals affected with ABCA3-related conditions. An algorithm developed to predict the effect of missense changes on protein structure and function (PolyPhen-2) suggests that this variant is likely to be disruptive. In summary, the available evidence is currently insufficient to determine the role of this variant in disease. Therefore, it has been classified as a Variant of Uncertain Significance.

NM_001089.3(ABCA3):c.1609A>C (p.Lys537Gln)

Gene: ABCA3 (ATP binding cassette subfamily A member 3; minus strand). Cytogenetic location: 16p13.3.
Variant type: single nucleotide variant.
Coding change: c.1609A>C on transcript NM_001089.3 (MANE Select); coding-DNA position 1609, A replaced by C.
Protein change: p.Lys537Gln; replaces lysine 537 with glutamine.
Molecular consequence: missense variant.
Genome position (GRCh38, 1-based): chr16:2,300,007, T>G on the plus strand (A>C on the coding strand, the complement: ABCA3 is on the minus strand). VCF-style: chr16-2300007-T-G. GRCh37 (hg19) VCF-style: chr16-2350008-T-G.
Other names: short protein forms K537Q.
Identifiers: ClinVar variation 4691580 (VCV004691580.1).